The following is an entry in ClinVar:

ClinVar aggregate classification (germline): Uncertain significance (1 of 4 stars; one submission).

Conditions:
METTL23-related disorder. Also called: METTL23-related condition.

Submission:

PreventionGenetics, part of Exact Sciences
Classification: Uncertain significance for METTL23-related condition. Last evaluated: 2025-11-05. Review status: criteria provided, single submitter. Criteria: ACMG Guidelines, 2015. Collection method: clinical testing. Allele origin: germline.
Comment: The METTL23 c.408-8_408-4del5 variant is predicted to result in an intronic deletion. This variant is predicted to alter splicing based on available splicing prediction programs (SpliceAI, Jaganathan et al. 2019. PubMed ID: 30661751); however, the use of computer prediction programs is not equivalent to functional evidence. To our knowledge, this variant has not been reported in the literature. This variant is reported in 0.014% of alleles in individuals of European (non-Finnish) descent in gnomAD. At this time, the clinical significance of this variant is uncertain due to the absence of conclusive functional and genetic evidence.

NM_001080510.5(METTL23):c.408-8_408-4del

Gene: METTL23 (methyltransferase 23, arginine; plus strand). Cytogenetic location: 17q25.1.
Variant type: Deletion.
Coding change: c.408-8_408-4del on transcript NM_001080510.5 (MANE Select); 8 bases into the intron before coding-DNA position 408 through 4 bases into the intron before coding-DNA position 408, 5 bases deleted (TTTTT; older notation c.408-8_408-4delTTTTT).
Molecular consequence: intron variant.
Genome position (GRCh38, 1-based): chr17:76,733,513-76,733,517, TTTTT deleted; deleting any 5 consecutive bases within chr17:76,733,507-76,733,517 gives the same sequence; the c. name uses the placement nearest the transcript's 3' end. VCF-style (leftmost placement, unchanged base first): chr17-76733506-CTTTTT-C. GRCh37 (hg19) VCF-style: chr17-74729588-CTTTTT-C.
Other names: c.408-8_408-4del (NM_001378349.1, NM_001378348.1, NM_001206983.3 and 2 more transcripts); c.396-8_396-4del (NM_001378351.1, NM_001378353.1, NM_001378350.1 and 2 more transcripts); c.207-8_207-4del (NM_001206987.3, NM_001206986.3, NM_001206985.3 and 2 more transcripts).
Identifiers: ClinVar variation 4983243 (VCV004983243.1).